The following is an entry in ClinVar:

NM_018896.5(CACNA1G):c.1334G>A (p.Arg445His)

Gene: CACNA1G (calcium voltage-gated channel subunit alpha1 G; plus strand). Cytogenetic location: 17q21.33.
Variant type: single nucleotide variant.
Coding change: c.1334G>A on transcript NM_018896.5 (MANE Select); coding-DNA position 1334, G replaced by A.
Protein change: p.Arg445His; replaces arginine 445 with histidine.
Molecular consequence: missense variant. On other transcripts: non-coding transcript variant (5).
Genome position (GRCh38, 1-based): chr17:50,575,736, G>A. VCF-style: chr17-50575736-G-A. GRCh37 (hg19) VCF-style: chr17-48653097-G-A.
Other names: c.1334G>A, p.Arg445His (NM_001256324.2, NM_001256325.2, NM_001256326.2 and 24 more transcripts); short protein forms R445H.
Identifiers: ClinVar variation 1708892 (VCV001708892.7), dbSNP rs774336893, ClinGen allele CA8652154.

ClinVar aggregate classification (germline): Uncertain significance. Review status: criteria provided, multiple submitters, no conflicts (2 of 4 stars). 3 submissions from 3 submitters: Uncertain significance (3). Last evaluated 2026-07-20.

Allele frequency attached by ClinVar (database versions not stated): gnomAD exomes 0.00002; TOPMed 0.00002; gnomAD 0.00005.
gnomAD v4.1: 37 of 1,583,860 alleles (0.0023%); highest among the groups gnomAD compares: East Asian, 0.019%; no homozygotes.

Submissions (3):

GeneDx
Classification: Uncertain significance. Last evaluated: 2026-07-20. Review status: criteria provided, single submitter. Criteria: GeneDx Variant Classification Process June 2021. Collection method: clinical testing. Allele origin: germline.
Comment: Has not been previously published as pathogenic or benign to our knowledge; In silico analysis supports that this missense variant has a deleterious effect on protein structure/function

CeGaT Center for Human Genetics Tuebingen
Classification: Uncertain significance. Last evaluated: 2026-04-01. Review status: criteria provided, single submitter. Criteria: CeGaT Center For Human Genetics Tuebingen Variant Classification Criteria Version 2. Collection method: clinical testing. Allele origin: germline. Affected: yes. Observed: 1 variant allele.

Labcorp Genetics (formerly Invitae), Labcorp
Classification: Uncertain significance. Last evaluated: 2024-11-21. Review status: criteria provided, single submitter. Criteria: Invitae Variant Classification Sherloc (09022015). Collection method: clinical testing. Allele origin: germline.
Comment: This sequence change replaces arginine, which is basic and polar, with histidine, which is basic and polar, at codon 445 of the CACNA1G protein (p.Arg445His). This variant is present in population databases (rs774336893, gnomAD 0.04%). This variant has not been reported in the literature in individuals affected with CACNA1G-related conditions. ClinVar contains an entry for this variant (Variation ID: 1708892). Invitae Evidence Modeling of protein sequence and biophysical properties (such as structural, functional, and spatial information, amino acid conservation, physicochemical variation, residue mobility, and thermodynamic stability) has been performed for this missense variant. However, the output from this modeling did not meet the statistical confidence thresholds required to predict the impact of this variant on CACNA1G protein function. In summary, the available evidence is currently insufficient to determine the role of this variant in disease. Therefore, it has been classified as a Variant of Uncertain Significance.